The following is an entry in ClinVar:

ClinVar aggregate classification (germline): Likely pathogenic (1 of 4 stars; one submission).

Conditions:
ARID1B-Related Disorder. Identifiers: MedGen CN381337.

Submission:

PreventionGenetics, part of Exact Sciences
Classification: Likely pathogenic for ARID1B-related condition. Last evaluated: 2023-09-28. Review status: criteria provided, single submitter. Criteria: ACMG Guidelines, 2015. Collection method: clinical testing. Allele origin: germline.
Comment: The ARID1B c.3010delG variant is predicted to result in premature protein termination (p.Val1004*). To our knowledge, this variant has not been reported in the literature or in a large population database, indicating this variant is rare. This variant is interpreted as likely pathogenic.

NM_001374828.1(ARID1B):c.3220del (p.Met1073_Val1074insTer)

Gene: ARID1B (AT-rich interaction domain 1B; plus strand). Cytogenetic location: 6q25.3.
Variant type: Deletion.
Coding change: c.3220del on transcript NM_001374828.1 (MANE Select); coding-DNA position 3220, one base deleted (G; older notation c.3220delG).
Protein change: p.Met1073_Val1074insTer.
Molecular consequence: nonsense. On other transcripts: frameshift variant (3).
Genome position (GRCh38, 1-based): chr6:157,167,170, G deleted; the last of 2 consecutive G bases (chr6:157,167,169-157,167,170); deleting either gives the same sequence. VCF-style (leftmost placement, unchanged base first): chr6-157167168-TG-T. GRCh37 (hg19) VCF-style: chr6-157488302-TG-T.
Other names: c.2971delG, p.Val991Terfs (NM_001346813.1); c.721del, p.Met240_Val241insTer (NM_001363725.2); c.3259del, p.Met1086_Val1087insTer (NM_001371656.1, NM_001374820.1); c.3220del, p.Met1073_Val1074insTer (NM_017519.3); c.3010delG, p.Val1004Terfs (NM_020732.3); c.2797delG, p.Val933Terfs (NM_175863.2).
Identifiers: ClinVar variation 2630994 (VCV002630994.1), dbSNP rs2538152246, ClinGen allele CA2695198385.
Genomic context (GRCh38, chr6:157,167,168, plus strand): 5'-TGAACAACAGCTCTAGCCTGATGAACACGCAGGCGCCGCCCTACAGCATGGCGCCCGCCA[TG>T]GTGAACAGCTCGGCAGGTAACCTTGGCAGCTCTGCGCTCCTGAGCCCCTCTCTCTCCCCT-3'